The following is an entry in ClinVar:

NM_194248.3(OTOF):c.632G>A (p.Arg211Gln)

Gene: OTOF (otoferlin; minus strand). Cytogenetic location: 2p23.3.
Variant type: single nucleotide variant.
Coding change: c.632G>A on transcript NM_194248.3 (MANE Select); coding-DNA position 632, G replaced by A.
Protein change: p.Arg211Gln; replaces arginine 211 with glutamine.
Molecular consequence: missense variant.
Genome position (GRCh38, 1-based): chr2:26,502,378, C>T on the plus strand (G>A on the coding strand, the complement: OTOF is on the minus strand). VCF-style: chr2-26502378-C-T. GRCh37 (hg19) VCF-style: chr2-26725246-C-T.
Other names: c.632G>A, p.Arg211Gln (NM_001287489.2); short protein forms R211Q.
Identifiers: ClinVar variation 177907 (VCV000177907.7), dbSNP rs111033535, ClinGen allele CA180976.

ClinVar aggregate classification (germline): Uncertain significance. Review status: criteria provided, multiple submitters, no conflicts (2 of 4 stars). 2 submissions from 2 submitters: Uncertain significance (2). Last evaluated 2024-09-11.

Allele frequency attached by ClinVar (database versions not stated): TOPMed below 0.00001; gnomAD exomes 0.00001 and 0.00002; ExAC 0.00002.

Submissions (2):

Labcorp Genetics (formerly Invitae), Labcorp
Classification: Uncertain significance. Last evaluated: 2024-09-11. Review status: criteria provided, single submitter. Criteria: Invitae Variant Classification Sherloc (09022015). Collection method: clinical testing. Allele origin: germline.
Comment: This sequence change replaces arginine, which is basic and polar, with glutamine, which is neutral and polar, at codon 211 of the OTOF protein (p.Arg211Gln). This variant is present in population databases (rs111033535, gnomAD 0.006%). This variant has not been reported in the literature in individuals affected with OTOF-related conditions. ClinVar contains an entry for this variant (Variation ID: 177907). Invitae Evidence Modeling of protein sequence and biophysical properties (such as structural, functional, and spatial information, amino acid conservation, physicochemical variation, residue mobility, and thermodynamic stability) indicates that this missense variant is not expected to disrupt OTOF protein function with a negative predictive value of 95%. In summary, the available evidence is currently insufficient to determine the role of this variant in disease. Therefore, it has been classified as a Variant of Uncertain Significance.

Laboratory for Molecular Medicine, Mass General Brigham Personalized Medicine
Classification: Uncertain significance. Last evaluated: 2015-10-20. Review status: criteria provided, single submitter. Criteria: LMM Criteria. Collection method: clinical testing. Allele origin: germline. Observed: 3 variant alleles.
Comment: Variant classified as Uncertain Significance - Favor Benign. The p.Arg211Gln var iant in OTOF has not been previously reported in individuals with hearing loss. This variant has been identified in 1/65468 European and in 1/8574 East Asian ch romosomes by the Exome Aggregation Consortium (ExAC. org; dbSNP rs111033535). Although this variant has been seen in the general pop ulation, its frequency is not high enough to rule out a pathogenic role. The arg inine (Arg) at position 211 is not conserved in mammals or evolutionary distant species, with mouse and pika having a glutamine (Gln) at this position, raising the possibility that a change at this position may be tolerated. Additional comp utational prediction tools suggest that the p.Arg211Gln may not impact the prote in. However, this information is not predictive enough to rule out pathogenicity . In summary, while the clinical significance of the p.Arg211Gln variant is unce rtain, these data suggest that it is more likely to be benign.